The following is an entry in ClinVar:

NM_000209.4(PDX1):c.498A>G (p.Leu166=)

Gene: PDX1 (pancreatic and duodenal homeobox 1; plus strand). Cytogenetic location: 13q12.2.
Variant type: single nucleotide variant.
Coding change: c.498A>G on transcript NM_000209.4 (MANE Select); coding-DNA position 498, A replaced by G.
Protein change: p.Leu166=; no amino-acid change (leucine 166 retained).
Molecular consequence: synonymous variant.
Genome position (GRCh38, 1-based): chr13:27,924,347, A>G. VCF-style: chr13-27924347-A-G. GRCh37 (hg19) VCF-style: chr13-28498484-A-G.
Identifiers: ClinVar variation 1577228 (VCV001577228.15), dbSNP rs780117858, ClinGen allele CA6927674.

ClinVar aggregate classification (germline): Benign/Likely benign. Review status: criteria provided, multiple submitters, no conflicts (2 of 4 stars). 6 submissions from 6 submitters: Benign (1); Likely benign (4). 1 of the submissions does not count toward it. Last evaluated 2025-01-21.

Conditions:
Type 2 diabetes mellitus. Also called: Type II diabetes mellitus. Identifiers: MedGen C0011860, MeSH D003924, MONDO:0005148, OMIM 125853, HP:0005978.
Pancreatic agenesis 1 (PAGEN1). Also called: PANCREATIC HYPOPLASIA, CONGENITAL. Identifiers: Orphanet 2805, MedGen C3891828, MONDO:0024547, OMIM 260370.
Maturity-onset diabetes of the young type 4 (MODY4). Also called: MODY, type IV; Maturity-onset diabetes of the young, type IV. Identifiers: Orphanet 552, MedGen C1833382, MONDO:0011667, OMIM 606392.
Maturity-onset diabetes of the young (MODY). Also called: Maturity onset diabetes mellitus in young. Identifiers: Orphanet 552, MedGen C0342276, MONDO:0018911, HP:0004904.
PDX1-related disorder. Also called: PDX1-related disorders; PDX1-related condition.

Allele frequency attached by ClinVar (database versions not stated): ExAC 0.00002; gnomAD exomes 0.00004 and 0.00018; TOPMed 0.00006; gnomAD 0.00007.

Submissions (6):

Labcorp Genetics (formerly Invitae), Labcorp
Classification: Likely benign. Last evaluated: 2025-01-21. Review status: criteria provided, single submitter. Criteria: Invitae Variant Classification Sherloc (09022015). Collection method: clinical testing. Allele origin: germline.

Women's Health and Genetics/Laboratory Corporation of America, LabCorp
Classification: Benign. Last evaluated: 2024-12-06. Review status: criteria provided, single submitter. Criteria: LabCorp Variant Classification Summary - May 2015. Collection method: clinical testing. Allele origin: germline.

Blueprint Genetics
Classification: Likely benign. Last evaluated: 2024-05-02. Review status: criteria provided, single submitter. Criteria: ACMG Guidelines, 2015. Collection method: clinical testing. Allele origin: germline.

Fulgent Genetics
Classification: Likely benign for Type 2 diabetes mellitus; Pancreatic agenesis 1; Maturity-onset diabetes of the young type 4. Last evaluated: 2021-10-14. Review status: criteria provided, single submitter. Criteria: ACMG Guidelines, 2015. Collection method: clinical testing. Allele origin: unknown.

Ambry Genetics
Classification: Likely benign for Maturity-onset diabetes of the young. Last evaluated: 2019-06-29. Review status: criteria provided, single submitter. Criteria: Ambry Variant Classification Scheme 2023. Collection method: clinical testing. Allele origin: germline.

PreventionGenetics, part of Exact Sciences
Classification: Likely benign for PDX1-related condition. Last evaluated: 2019-08-13. Review status: no assertion criteria provided. Collection method: clinical testing. Allele origin: germline. Not counted in ClinVar's aggregate classification.
Comment: This variant is classified as likely benign based on ACMG/AMP sequence variant interpretation guidelines (Richards et al. 2015 PMID: 25741868, with internal and published modifications).